The following is an entry in ClinVar:

ClinVar aggregate classification (germline): Likely benign (1 of 4 stars; one submission).

Allele frequency attached by ClinVar (database versions not stated): 1000 Genomes Project 0.00300; 1000 Genomes Project 30x 0.00344; ESP Exome Variant Server 0.00484.
gnomAD v4.1: 8,844 of 1,614,120 alleles (0.55%); highest among the groups gnomAD compares: Middle Eastern, 1.1%; 33 homozygotes.

Submission:

CeGaT Center for Human Genetics Tuebingen
Classification: Likely benign. Last evaluated: 2022-06-01. Review status: criteria provided, single submitter. Criteria: CeGaT Center For Human Genetics Tuebingen Variant Classification Criteria Version 2. Collection method: clinical testing. Allele origin: germline. Affected: yes. Observed: 2 variant alleles.
Comment: TTC39B: BP4, BP7

NM_152574.3(TTC39B):c.228A>G (p.Ala76=)

Gene: TTC39B (tetratricopeptide repeat domain 39B; minus strand). Cytogenetic location: 9p22.3.
Variant type: single nucleotide variant.
Coding change: c.228A>G on transcript NM_152574.3 (MANE Select); coding-DNA position 228, A replaced by G.
Protein change: p.Ala76=; no amino-acid change (alanine 76 retained).
Molecular consequence: synonymous variant. On other transcripts: 5 prime UTR variant (1), intron variant (1).
Genome position (GRCh38, 1-based): chr9:15,214,195, T>C on the plus strand (A>G on the coding strand, the complement: TTC39B is on the minus strand). VCF-style: chr9-15214195-T-C. GRCh37 (hg19) VCF-style: chr9-15214193-T-C.
Other names: c.228A>G, p.Ala76= (NM_001168339.2, NM_001168340.2); c.-70A>G (NM_001168342.2); c.78-2798A>G (NM_001168341.2).
Identifiers: ClinVar variation 2659087 (VCV002659087.24), dbSNP rs75713085, ClinGen allele CA4992458.